The following is an entry in ClinVar:

NM_001080512.3(BICC1):c.2434G>A (p.Glu812Lys)

Gene: BICC1 (BicC family RNA binding protein 1; plus strand). Cytogenetic location: 10q21.1.
Variant type: single nucleotide variant.
Coding change: c.2434G>A on transcript NM_001080512.3 (MANE Select); coding-DNA position 2434, G replaced by A.
Protein change: p.Glu812Lys; replaces glutamic acid 812 with lysine.
Molecular consequence: missense variant.
Genome position (GRCh38, 1-based): chr10:58,813,887, G>A. VCF-style: chr10-58813887-G-A. GRCh37 (hg19) VCF-style: chr10-60573647-G-A.
Other names: c.2434G>A (NM_001080512.1); short protein forms E812K.
Identifiers: ClinVar variation 1944315 (VCV001944315.6), dbSNP rs184466963, ClinGen allele CA5508805.
Genomic context (GRCh38, chr10:58,813,887, plus strand): 5'-CAGGGCTCATCCATGTCCCTTTCACGGTCCAACAGTCGTGAGCACTTGGGAGGTGGAAGC[G>A]AATCTGATAACTGGAGAGACCGAAATGGAATTGGACCTGGAAGTCATAGTGAATTTGCAG-3'
Protein context (NP_001073981.1, residues 802-822): NSREHLGGGS[Glu812Lys]SDNWRDRNGI

ClinVar aggregate classification (germline): Conflicting classifications of pathogenicity. Review status: criteria provided, conflicting classifications (1 of 4 stars). 2 submissions from 2 submitters: Uncertain significance (1); Likely benign (1). Last evaluated 2025-11-13.

Allele frequency attached by ClinVar (database versions not stated): gnomAD exomes 0.00001; TOPMed 0.00001; ExAC 0.00003; gnomAD 0.00003; 1000 Genomes Project 30x 0.00031; 1000 Genomes Project 0.00040.
gnomAD v4.1: 20 of 1,613,994 alleles (0.0012%); highest among the groups gnomAD compares: South Asian, 0.011%; no homozygotes.

Submissions (2):

Ambry Genetics
Classification: Likely benign. Last evaluated: 2025-11-13. Review status: criteria provided, single submitter. Criteria: Ambry Variant Classification Scheme 2023. Collection method: clinical testing. Allele origin: germline.

Labcorp Genetics (formerly Invitae), Labcorp
Classification: Uncertain significance. Last evaluated: 2022-06-01. Review status: criteria provided, single submitter. Criteria: Invitae Variant Classification Sherloc (09022015). Collection method: clinical testing. Allele origin: germline.
Comment: This sequence change replaces glutamic acid, which is acidic and polar, with lysine, which is basic and polar, at codon 812 of the BICC1 protein (p.Glu812Lys). This variant is present in population databases (rs184466963, gnomAD 0.01%). This variant has not been reported in the literature in individuals affected with BICC1-related conditions. Algorithms developed to predict the effect of missense changes on protein structure and function (SIFT, PolyPhen-2, Align-GVGD) all suggest that this variant is likely to be tolerated. In summary, the available evidence is currently insufficient to determine the role of this variant in disease. Therefore, it has been classified as a Variant of Uncertain Significance.